The following is an entry in ClinVar:

NC_000023.11:g.71366350_71366351delinsTT

Gene: TAF1 (TATA-box binding protein associated factor 1; plus strand). Cytogenetic location: Xq13.1.
Variant type: Indel.
Genome position: GRCh38 VCF-style: chrX-71366350-AG-TT. GRCh37 (hg19) VCF-style: chrX-70586200-AG-TT.
Identifiers: ClinVar variation 1930271 (VCV001930271.5), dbSNP rs2519961123, ClinGen allele CA2580101327.

ClinVar aggregate classification (germline): Uncertain significance (1 of 4 stars; one submission).

Submission:

Labcorp Genetics (formerly Invitae), Labcorp
Classification: Uncertain significance. Last evaluated: 2022-09-13. Review status: criteria provided, single submitter. Criteria: Invitae Variant Classification Sherloc (09022015). Collection method: clinical testing. Allele origin: germline.
Comment: This sequence change replaces alanine, which is neutral and non-polar, with serine, which is neutral and polar, at codon 13 of the TAF1 protein (p.Ala13Ser). Information on the frequency of this variant in the gnomAD database is not available, as this variant may be reported differently in the database. This variant has not been reported in the literature in individuals affected with TAF1-related conditions. Experimental studies and prediction algorithms are not available or were not evaluated, and the functional significance of this variant is currently unknown. In summary, the available evidence is currently insufficient to determine the role of this variant in disease. Therefore, it has been classified as a Variant of Uncertain Significance.